The following is an entry in ClinVar:

ClinVar aggregate classification (germline): Benign/Likely benign. Review status: criteria provided, multiple submitters, no conflicts (2 of 4 stars). 4 submissions from 4 submitters: Benign (2); Likely benign (1). 1 of the submissions does not count toward it. Last evaluated 2026-02-03.

Conditions:
Developmental and epileptic encephalopathy, 49 (DEE49). Also called: Epileptic encephalopathy, early infantile, 49. Identifiers: MedGen C4310635, MONDO:0015002, OMIM 617281.
DENND5A-related disorder. Also called: DENND5A-related condition.

Allele frequency attached by ClinVar (database versions not stated): gnomAD exomes 0.00061 and 0.00107; ExAC 0.00275; ESP Exome Variant Server 0.00450; gnomAD 0.00744 and 0.00791; TOPMed 0.00860; 1000 Genomes Project 0.00938; 1000 Genomes Project 30x 0.01140.
gnomAD v4.1: 2,008 of 1,565,912 alleles (0.13%); highest among the groups gnomAD compares: African/African-American, 2.5%; 23 homozygotes.

Submissions (4):

Labcorp Genetics (formerly Invitae), Labcorp
Classification: Benign. Last evaluated: 2026-02-03. Review status: criteria provided, single submitter. Criteria: Invitae Variant Classification Sherloc (09022015). Collection method: clinical testing. Allele origin: germline.

Fulgent Genetics
Classification: Likely benign for Developmental and epileptic encephalopathy, 49. Last evaluated: 2022-05-17. Review status: criteria provided, single submitter. Criteria: ACMG Guidelines, 2015. Collection method: clinical testing. Allele origin: unknown.

Breakthrough Genomics
Classification: Benign. Review status: criteria provided, single submitter. Criteria: ACMG Guidelines, 2015. Collection method: not provided. Allele origin: germline. Inheritance: Autosomal recessive inheritance. Affected: yes.

PreventionGenetics, part of Exact Sciences
Classification: Benign for DENND5A-related condition. Last evaluated: 2019-05-10. Review status: no assertion criteria provided. Collection method: clinical testing. Allele origin: germline. Not counted in ClinVar's aggregate classification.
Comment: This variant is classified as benign based on ACMG/AMP sequence variant interpretation guidelines (Richards et al. 2015 PMID: 25741868, with internal and published modifications).

NM_015213.4(DENND5A):c.36C>T (p.Pro12=)

Genes: DENND5A (DENN domain containing 5A; minus strand), LOC130005268 (ATAC-STARR-seq lymphoblastoid silent region 3122; plus strand). Cytogenetic location: 11p15.4.
Variant type: single nucleotide variant.
Coding change: c.36C>T on transcript NM_015213.4 (MANE Select); coding-DNA position 36, C replaced by T.
Protein change: p.Pro12=; no amino-acid change (proline 12 retained).
Molecular consequence: synonymous variant. On other transcripts: 5 prime UTR variant (1), non-coding transcript variant (1).
Genome position (GRCh38, 1-based): chr11:9,265,034, G>A on the plus strand (C>T on the coding strand, the complement: DENND5A is on the minus strand). VCF-style: chr11-9265034-G-A. GRCh37 (hg19) VCF-style: chr11-9286581-G-A.
Other names: c.36C>T, p.Pro12= (NM_001243254.2, NM_001348749.2); c.-289C>T (NM_001348750.2); c.36C>T (NM_015213.3).
Identifiers: ClinVar variation 1529145 (VCV001529145.12), dbSNP rs76048646, ClinGen allele CA5877931.